The following is an entry in ClinVar:

ClinVar aggregate classification (germline): Uncertain significance (1 of 4 stars; one submission).

Conditions:
Long QT syndrome (LQTS). Identifiers: MedGen C0023976, MeSH D008133, MONDO:0002442. Disease mechanism: loss of function. Inheritance: Various modes of inheritance.

Allele frequency attached by ClinVar (database versions not stated): ExAC 0.00002.
gnomAD v4.1: 3 of 1,614,146 alleles (0.00019%); highest among the groups gnomAD compares: South Asian, 0.0022%; no homozygotes.

Submission:

Labcorp Genetics (formerly Invitae), Labcorp
Classification: Uncertain significance for Long QT syndrome. Last evaluated: 2022-01-01. Review status: criteria provided, single submitter. Criteria: Invitae Variant Classification Sherloc (09022015). Collection method: clinical testing. Allele origin: germline.
Comment: Algorithms developed to predict the effect of missense changes on protein structure and function are either unavailable or do not agree on the potential impact of this missense change (SIFT: "Tolerated"; PolyPhen-2: "Probably Damaging"; Align-GVGD: "Class C0"). In summary, the available evidence is currently insufficient to determine the role of this variant in disease. Therefore, it has been classified as a Variant of Uncertain Significance. This variant has not been reported in the literature in individuals affected with ANK2-related conditions. This variant is present in population databases (rs753105287, gnomAD 0.01%). This sequence change replaces proline, which is neutral and non-polar, with threonine, which is neutral and polar, at codon 3815 of the ANK2 protein (p.Pro3815Thr).

NM_001148.6(ANK2):c.11443C>A (p.Pro3815Thr)

Gene: ANK2 (ankyrin 2; plus strand). Cytogenetic location: 4q26.
Variant type: single nucleotide variant.
Coding change: c.11443C>A on transcript NM_001148.6 (MANE Select); coding-DNA position 11443, C replaced by A.
Protein change: p.Pro3815Thr; replaces proline 3815 with threonine.
Molecular consequence: missense variant.
Genome position (GRCh38, 1-based): chr4:113,369,638, C>A. VCF-style: chr4-113369638-C-A. GRCh37 (hg19) VCF-style: chr4-114290794-C-A.
Other names: c.5161C>A, p.Pro1721Thr (NM_001127493.3); c.5200C>A, p.Pro1734Thr (NM_001354225.2); c.5089C>A, p.Pro1697Thr (NM_001354228.2, NM_001354258.2); c.5167C>A, p.Pro1723Thr (NM_001354230.2); c.5230C>A, p.Pro1744Thr (NM_001354231.2, NM_001354242.2); c.5224C>A, p.Pro1742Thr (NM_001354232.2); c.5185C>A, p.Pro1729Thr (NM_001354235.2, NM_001354246.2, NM_001354265.2); c.5086C>A, p.Pro1696Thr (NM_001354236.2); and 35 more; short protein forms P1630T, P1655T, P1659T, P1678T, P1697T, P1729T, P1730T, P530T.
Identifiers: ClinVar variation 2069127 (VCV002069127.4), dbSNP rs753105287, ClinGen allele CA3052287.
Genomic context (GRCh38, chr4:113,369,638, plus strand): 5'-AGCAAGACACCTGAGGAAGTTAGCACCCCTGCAGAGGAGGAGAAGCTGTACCTCCAGACC[C>A]CAACATCCAGCGAGCGGGGAGGCTCTCCCATCATACAAGAACCCGAAGAGCCCTCAGAGC-3'
Protein context (NP_001139.3, residues 3805-3825): AEEEKLYLQT[Pro3815Thr]TSSERGGSPI